The following is an entry in ClinVar:

ClinVar aggregate classification (germline): Conflicting classifications of pathogenicity. Review status: criteria provided, conflicting classifications (1 of 4 stars). 5 submissions from 5 submitters: Uncertain significance (2); Likely benign (3). Last evaluated 2026-09-21.

Conditions:
Myopathy, myofibrillar, 9, with early respiratory failure (MFM9). Also called: Hereditary myopathy with early respiratory failure; Myopathy, distal, with early respiratory failure, autosomal dominant; EDSTROM MYOPATHY; MYOPATHY, PROXIMAL, WITH EARLY RESPIRATORY MUSCLE INVOLVEMENT. Identifiers: Orphanet 178464, Orphanet 34521, MedGen C1863599, MONDO:0011362, OMIM 603689.
Hypertrophic cardiomyopathy 9. Also called: Familial hypertrophic cardiomyopathy 9. Identifiers: MedGen C1861065, MONDO:0013412, OMIM 613765.
Early-onset myopathy with fatal cardiomyopathy (CMYO5). Also called: Salih Myopathy; CONGENITAL MYOPATHY 5 WITH CARDIOMYOPATHY. Identifiers: Orphanet 289377, MedGen C2673677, MONDO:0012714, OMIM 611705. Disease mechanism: loss of function.
Dilated cardiomyopathy 1G (CMD1G). Identifiers: Orphanet 154, MedGen C1858763, MONDO:0011400, OMIM 604145.
Tibial muscular dystrophy (TMD). Also called: UDD MYOPATHY; Tibial muscular dystrophy, tardive; Udd Distal Myopathy – Tibial Muscular Dystrophy. Identifiers: Orphanet 609, MedGen C1838244, MONDO:0010870, OMIM 600334.
Autosomal recessive limb-girdle muscular dystrophy type 2J (LGMDR10). Also called: Limb-girdle muscular dystrophy, type 2J; MUSCULAR DYSTROPHY, LIMB-GIRDLE, AUTOSOMAL RECESSIVE 10. Identifiers: Orphanet 140922, MedGen C1837342, MONDO:0012127, OMIM 608807.

Allele frequency attached by ClinVar (database versions not stated): gnomAD exomes 0.00004 and 0.00013; 1000 Genomes Project 30x 0.00031; gnomAD 0.00005 and 0.00006; TOPMed 0.00007; ExAC 0.00008; 1000 Genomes Project 0.00040.
gnomAD v4.1: 65 of 1,612,044 alleles (0.004%); highest among the groups gnomAD compares: East Asian, 0.13%; 1 homozygote.

Submissions (5):

Molecular Diagnostic Laboratory for Inherited Cardiovascular Disease, Montreal Heart Institute
Classification: Likely benign. Last evaluated: 2026-09-21. Review status: criteria provided, single submitter. Criteria: ACMG Guidelines, 2015. Collection method: clinical testing. Allele origin: germline. Affected: no.

Blueprint Genetics
Classification: Likely benign. Last evaluated: 2023-12-05. Review status: criteria provided, single submitter. Criteria: ACMG Guidelines, 2015. Collection method: clinical testing. Allele origin: germline.

GeneDx
Classification: Likely benign. Last evaluated: 2019-02-14. Review status: criteria provided, single submitter. Criteria: GeneDx Variant Classification Process June 2021. Collection method: clinical testing. Allele origin: germline. Affected: yes.
Comment: This variant is associated with the following publications: (PMID: 25997934, 17344846)

Fulgent Genetics
Classification: Uncertain significance for Tibial muscular dystrophy; Myopathy, myofibrillar, 9, with early respiratory failure; Dilated cardiomyopathy 1G; Autosomal recessive limb-girdle muscular dystrophy type 2J; Early-onset myopathy with fatal cardiomyopathy; Hypertrophic cardiomyopathy 9. Last evaluated: 2018-10-31. Review status: criteria provided, single submitter. Criteria: ACMG Guidelines, 2015. Collection method: clinical testing. Allele origin: unknown.

Labcorp Genetics (formerly Invitae), Labcorp
Classification: Uncertain significance for Dilated cardiomyopathy 1G; Autosomal recessive limb-girdle muscular dystrophy type 2J. Last evaluated: 2017-06-30. Review status: criteria provided, single submitter. Criteria: Invitae Variant Classification Sherloc (09022015). Collection method: clinical testing. Allele origin: germline.

NM_001267550.2(TTN):c.68298C>A (p.Asp22766Glu)

Genes: TTN (titin; minus strand), TTN-AS1 (TTN antisense RNA 1; plus strand), LOC126806423 (CDK7 strongly-dependent group 2 enhancer GRCh37_chr2:179443309-179444508; plus strand). Cytogenetic location: 2q31.2.
Variant type: single nucleotide variant.
Coding change: c.68298C>A on transcript NM_001267550.2 (MANE Select); coding-DNA position 68298, C replaced by A.
Protein change: p.Asp22766Glu; replaces aspartic acid 22766 with glutamic acid.
Molecular consequence: missense variant.
Genome position (GRCh38, 1-based): chr2:178,578,642, G>T on the plus strand (C>A on the coding strand, the complement: TTN is on the minus strand). VCF-style: chr2-178578642-G-T. GRCh37 (hg19) VCF-style: chr2-179443369-G-T.
Other names: c.63375C>A, p.Asp21125Glu (NM_001256850.1); c.41103C>A, p.Asp13701Glu (NM_003319.4); c.60594C>A, p.Asp20198Glu (NM_133378.4); c.41478C>A, p.Asp13826Glu (NM_133432.3); c.41679C>A, p.Asp13893Glu (NM_133437.4); short protein forms D22766E, D13893E, D21125E, D13701E, D13826E, D20198E.
Identifiers: ClinVar variation 404898 (VCV000404898.21), dbSNP rs534340303, ClinGen allele CA1991145.